The following is an entry in ClinVar:

ClinVar aggregate classification (germline): Uncertain significance. Review status: criteria provided, multiple submitters, no conflicts (2 of 4 stars). 2 submissions from 2 submitters: Uncertain significance (2). Last evaluated 2025-12-08.

Conditions:
Inborn genetic diseases. Identifiers: MedGen C0950123, MeSH D030342.
Carnitine acylcarnitine translocase deficiency (CACTD). Identifiers: Orphanet 159, MedGen C0342791, MONDO:0008918, OMIM 212138.

Allele frequency attached by ClinVar (database versions not stated): TOPMed below 0.00001.
gnomAD v4.1: 7 of 1,613,972 alleles (0.00043%); highest among the groups gnomAD compares: Non-Finnish European, 0.00059%; no homozygotes.

Submissions (2):

Ambry Genetics
Classification: Uncertain significance for Inborn genetic diseases. Last evaluated: 2025-12-08. Review status: criteria provided, single submitter. Criteria: Ambry Variant Classification Scheme 2023. Collection method: clinical testing. Allele origin: germline.

Labcorp Genetics (formerly Invitae), Labcorp
Classification: Uncertain significance for Carnitine acylcarnitine translocase deficiency. Last evaluated: 2022-04-03. Review status: criteria provided, single submitter. Criteria: Invitae Variant Classification Sherloc (09022015). Collection method: clinical testing. Allele origin: germline.
Comment: This sequence change replaces methionine, which is neutral and non-polar, with lysine, which is basic and polar, at codon 85 of the SLC25A20 protein (p.Met85Lys). This variant is present in population databases (no rsID available, gnomAD 0.0009%). This variant has not been reported in the literature in individuals affected with SLC25A20-related conditions. Algorithms developed to predict the effect of missense changes on protein structure and function are either unavailable or do not agree on the potential impact of this missense change (SIFT: "Deleterious"; PolyPhen-2: "Possibly Damaging"; Align-GVGD: "Class C0"). In summary, the available evidence is currently insufficient to determine the role of this variant in disease. Therefore, it has been classified as a Variant of Uncertain Significance.

NM_000387.6(SLC25A20):c.254T>A (p.Met85Lys)

Gene: SLC25A20 (solute carrier family 25 member 20; minus strand). Cytogenetic location: 3p21.31.
Variant type: single nucleotide variant.
Coding change: c.254T>A on transcript NM_000387.6 (MANE Select); coding-DNA position 254, T replaced by A.
Protein change: p.Met85Lys; replaces methionine 85 with lysine.
Molecular consequence: missense variant.
Genome position (GRCh38, 1-based): chr3:48,884,069, A>T on the plus strand (T>A on the coding strand, the complement: SLC25A20 is on the minus strand). VCF-style: chr3-48884069-A-T. GRCh37 (hg19) VCF-style: chr3-48921502-A-T.
Other names: c.254T>A (NM_000387.5); short protein forms M85K.
Identifiers: ClinVar variation 2422089 (VCV002422089.4), dbSNP rs1374102445, ClinGen allele CA352634543.